The following is an entry in ClinVar:

ClinVar aggregate classification (germline): Uncertain significance (1 of 4 stars; one submission).

Conditions:
Hereditary cancer-predisposing syndrome. Also called: Hereditary neoplastic syndrome; Hereditary Cancer Syndrome; Neoplastic Syndromes, Hereditary; Tumor predisposition. Identifiers: Orphanet 140162, MedGen C0027672, MeSH D009386, MONDO:0015356.

Submission:

Ambry Genetics
Classification: Uncertain significance for Hereditary cancer-predisposing syndrome. Last evaluated: 2023-04-19. Review status: criteria provided, single submitter. Criteria: Ambry Variant Classification Scheme 2023. Collection method: clinical testing. Allele origin: germline.
Comment: The p.I521R variant (also known as c.1562T>G), located in coding exon 14 of the NF2 gene, results from a T to G substitution at nucleotide position 1562. The isoleucine at codon 521 is replaced by arginine, an amino acid with similar properties. This amino acid position is conserved. In addition, this alteration is predicted to be deleterious by in silico analysis. Since supporting evidence is limited at this time, the clinical significance of this alteration remains unclear.

NM_000268.4(NF2):c.1562T>G (p.Ile521Arg)

Gene: NF2 (NF2, moesin-ezrin-radixin like (MERLIN) tumor suppressor; plus strand). Cytogenetic location: 22q12.2.
Variant type: single nucleotide variant.
Coding change: c.1562T>G on transcript NM_000268.4 (MANE Select); coding-DNA position 1562, T replaced by G.
Protein change: p.Ile521Arg; replaces isoleucine 521 with arginine.
Molecular consequence: missense variant. On other transcripts: non-coding transcript variant (1), intron variant (1).
Genome position (GRCh38, 1-based): chr22:29,678,311, T>G. VCF-style: chr22-29678311-T-G. GRCh37 (hg19) VCF-style: chr22-30074300-T-G.
Other names: c.1304T>G, p.Ile435Arg (NM_001407062.1); c.1313T>G, p.Ile438Arg (NM_001407063.1, NM_001407064.1, NM_181830.3 and 1 more transcripts); c.1331T>G, p.Ile444Arg (NM_001407067.1); c.1562T>G, p.Ile521Arg (NM_016418.5, NM_001407066.1, NM_181825.3 and 2 more transcripts); c.1028T>G, p.Ile343Arg (NM_001407065.1); c.1448T>G, p.Ile483Arg (NM_001407053.1, NM_001407056.1); c.1439T>G, p.Ile480Arg (NM_001407054.1, NM_001407058.1, NM_181829.3); c.1436T>G, p.Ile479Arg (NM_001407055.1, NM_181828.3); and 2 more; short protein forms I438R, I521R, I435R, I476R, I480R, I343R, I479R, I483R.
Identifiers: ClinVar variation 2568062 (VCV002568062.2), dbSNP rs1433909523, ClinGen allele CA411149792.
Genomic context (GRCh38, chr22:29,678,311, plus strand): 5'-TTGGTGACAGCCTGTCTTTCGACTTCAAAGATACTGACATGAAGCGGCTTTCCATGGAGA[T>G]AGAGAAAGAAAAGTATGTAGCCCCCTGTGCCCTGCTGTGGGCAGCTGTGAACTAGACTGA-3'
Protein context (NP_000259.1, residues 511-531): DTDMKRLSME[Ile521Arg]EKEKVEYMEK